The following is an entry in ClinVar:

NM_003076.5(SMARCD1):c.825G>C (p.Pro275=)

Gene: SMARCD1 (SWI/SNF related BAF chromatin remodeling complex subunit D1; plus strand). Cytogenetic location: 12q13.12.
Variant type: single nucleotide variant.
Coding change: c.825G>C on transcript NM_003076.5 (MANE Select); coding-DNA position 825, G replaced by C.
Protein change: p.Pro275=; no amino-acid change (proline 275 retained).
Molecular consequence: synonymous variant.
Genome position (GRCh38, 1-based): chr12:50,089,937, G>C. VCF-style: chr12-50089937-G-C. GRCh37 (hg19) VCF-style: chr12-50483720-G-C.
Other names: c.825G>C, p.Pro275= (NM_139071.3).
Identifiers: ClinVar variation 1711340 (VCV001711340.30), dbSNP rs1050726, ClinGen allele CA479748287.
Genomic context (GRCh38, chr12:50,089,937, plus strand): 5'-TCTGTAGTGGCACAGGACCGCCACTACCCAGGAGACCGATGGCTTTCAGGTGAAGCGGCC[G>C]GGAGACGTGAATGTACGGTGTACTGTCCTACTGATGCTGGATTACCAGGTATTCTGTGGT-3'
Protein context (NP_003067.3, residues 265-285): QETDGFQVKR[Pro275=]GDVNVRCTVL

ClinVar aggregate classification (germline): Likely benign (1 of 4 stars; one submission).

Submission:

CeGaT Center for Human Genetics Tuebingen
Classification: Likely benign. Last evaluated: 2022-08-01. Review status: criteria provided, single submitter. Criteria: CeGaT Center For Human Genetics Tuebingen Variant Classification Criteria Version 2. Collection method: clinical testing. Allele origin: germline. Affected: yes. Observed: 1 variant allele.
Comment: SMARCD1: BP4, BP7